The following is an entry in ClinVar:

ClinVar aggregate classification (germline): Uncertain significance (1 of 4 stars; one submission).

Conditions:
Spondylocostal dysostosis 3, autosomal recessive (SCDO3). Also called: LFNG-Related Spondylocostal Dysostosis, Autosomal Recessive. Identifiers: Orphanet 2311, MedGen C1853296, MONDO:0012349, OMIM 609813.

Submission:

Labcorp Genetics (formerly Invitae), Labcorp
Classification: Uncertain significance for Spondylocostal dysostosis 3, autosomal recessive. Last evaluated: 2022-11-01. Review status: criteria provided, single submitter. Criteria: Invitae Variant Classification Sherloc (09022015). Collection method: clinical testing. Allele origin: germline.
Comment: This sequence change replaces glycine, which is neutral and non-polar, with arginine, which is basic and polar, at codon 276 of the LFNG protein (p.Gly276Arg). In summary, the available evidence is currently insufficient to determine the role of this variant in disease. Therefore, it has been classified as a Variant of Uncertain Significance. Advanced modeling of protein sequence and biophysical properties (such as structural, functional, and spatial information, amino acid conservation, physicochemical variation, residue mobility, and thermodynamic stability) performed at Invitae indicates that this missense variant is not expected to disrupt LFNG protein function. This variant has not been reported in the literature in individuals affected with LFNG-related conditions. This variant is not present in population databases (gnomAD no frequency).

NM_001040167.2(LFNG):c.826G>C (p.Gly276Arg)

Gene: LFNG (LFNG O-fucosylpeptide 3-beta-N-acetylglucosaminyltransferase; plus strand). Cytogenetic location: 7p22.3.
Variant type: single nucleotide variant.
Coding change: c.826G>C on transcript NM_001040167.2 (MANE Select); coding-DNA position 826, G replaced by C.
Protein change: p.Gly276Arg; replaces glycine 276 with arginine.
Molecular consequence: missense variant.
Genome position (GRCh38, 1-based): chr7:2,526,248, G>C. VCF-style: chr7-2526248-G-C. GRCh37 (hg19) VCF-style: chr7-2565882-G-C.
Other names: c.826G>C, p.Gly276Arg (NM_001040168.2); c.613G>C, p.Gly205Arg (NM_001166355.2); c.439G>C, p.Gly147Arg (NM_002304.3); short protein forms G147R, G205R, G276R.
Identifiers: ClinVar variation 1714851 (VCV001714851.5), dbSNP rs2534246392, ClinGen allele CA366619764.
Genomic context (GRCh38, chr7:2,526,248, plus strand): 5'-CTCCCAGCAGATGGCTCCCGCCTCTGCTCACTGGTCTGGGCCCTTCCCTCCCGCAGCGGG[G>C]GTCACTTCATGAATACGGCTGAGCGGATCCGGCTGCCTGATGACTGCACCATCGGCTACA-3'
Protein context (NP_001035257.1, residues 266-286): ALKMSPWASG[Gly276Arg]HFMNTAERIR